The following is an entry in ClinVar:

NM_000135.4(FANCA):c.2094G>C (p.Glu698Asp)

Gene: FANCA (FA complementation group A; minus strand). Cytogenetic location: 16q24.3.
Variant type: single nucleotide variant.
Coding change: c.2094G>C on transcript NM_000135.4 (MANE Select); coding-DNA position 2094, G replaced by C.
Protein change: p.Glu698Asp; replaces glutamic acid 698 with aspartic acid.
Molecular consequence: missense variant.
Genome position (GRCh38, 1-based): chr16:89,771,735, C>G on the plus strand (G>C on the coding strand, the complement: FANCA is on the minus strand). VCF-style: chr16-89771735-C-G. GRCh37 (hg19) VCF-style: chr16-89838143-C-G.
Other names: c.2094G>C, p.Glu698Asp (NM_001286167.3); c.2094G>C (LRG_495t1); short protein forms E698D.
Identifiers: ClinVar variation 456091 (VCV000456091.11), dbSNP rs201672093, ClinGen allele CA8251912.

ClinVar aggregate classification (germline): Uncertain significance. Review status: criteria provided, multiple submitters, no conflicts (2 of 4 stars). 6 submissions from 6 submitters: Uncertain significance (5). 1 of the submissions does not count toward it. Last evaluated 2025-03-30.

Conditions:
Inborn genetic diseases. Identifiers: MedGen C0950123, MeSH D030342.
Fanconi anemia (FA). Also called: Fanconi's anemia. Identifiers: Orphanet 84, MedGen C0015625, MeSH D005199, MONDO:0019391.
Fanconi anemia complementation group A (FANCA). Also called: Fanconi anemia, group A; FANCA-Related Fanconi Anemia. Identifiers: Orphanet 84, MedGen C3469521, MONDO:0009215, OMIM 227650.

Allele frequency attached by ClinVar (database versions not stated): gnomAD 0.00001; gnomAD exomes 0.00001 and 0.00002; TOPMed 0.00001; ExAC 0.00002; 1000 Genomes Project 30x 0.00016; 1000 Genomes Project 0.00020.
gnomAD v4.1: 17 of 1,614,156 alleles (0.0011%); highest among the groups gnomAD compares: Middle Eastern, 0.017%; no homozygotes.

Submissions (6):

Ambry Genetics
Classification: Uncertain significance for Inborn genetic diseases. Last evaluated: 2025-03-30. Review status: criteria provided, single submitter. Criteria: Ambry Variant Classification Scheme 2023. Collection method: clinical testing. Allele origin: germline.
Comment: The p.E698D variant (also known as c.2094G>C), located in coding exon 23 of the FANCA gene, results from a G to C substitution at nucleotide position 2094. The glutamic acid at codon 698 is replaced by aspartic acid, an amino acid with highly similar properties. This amino acid position is conserved. In addition, this alteration is predicted to be tolerated by in silico analysis. Based on the available evidence, the clinical significance of this variant remains unclear.

Blueprint Genetics
Classification: Uncertain significance. Last evaluated: 2024-11-21. Review status: criteria provided, single submitter. Criteria: ACMG Guidelines, 2015. Collection method: clinical testing. Allele origin: germline.

Labcorp Genetics (formerly Invitae), Labcorp
Classification: Uncertain significance for Fanconi anemia. Last evaluated: 2022-08-27. Review status: criteria provided, single submitter. Criteria: Invitae Variant Classification Sherloc (09022015). Collection method: clinical testing. Allele origin: germline.
Comment: This sequence change replaces glutamic acid, which is acidic and polar, with aspartic acid, which is acidic and polar, at codon 698 of the FANCA protein (p.Glu698Asp). This variant is present in population databases (rs201672093, gnomAD 0.007%). This variant has not been reported in the literature in individuals affected with FANCA-related conditions. ClinVar contains an entry for this variant (Variation ID: 456091). Advanced modeling of protein sequence and biophysical properties (such as structural, functional, and spatial information, amino acid conservation, physicochemical variation, residue mobility, and thermodynamic stability) performed at Invitae indicates that this missense variant is not expected to disrupt FANCA protein function. In summary, the available evidence is currently insufficient to determine the role of this variant in disease. Therefore, it has been classified as a Variant of Uncertain Significance.

GeneDx
Classification: Uncertain significance. Last evaluated: 2022-08-18. Review status: criteria provided, single submitter. Criteria: GeneDx Variant Classification Process June 2021. Collection method: clinical testing. Allele origin: germline. Affected: yes.
Comment: Not observed at significant frequency in large population cohorts (gnomAD); In silico analysis supports that this missense variant does not alter protein structure/function; Has not been previously published as pathogenic or benign to our knowledge

Fulgent Genetics
Classification: Uncertain significance for Fanconi anemia complementation group A. Last evaluated: 2022-05-11. Review status: criteria provided, single submitter. Criteria: ACMG Guidelines, 2015. Collection method: clinical testing. Allele origin: unknown.

Natera, Inc.
Classification: Uncertain significance for Fanconi anemia. Last evaluated: 2019-10-28. Review status: no assertion criteria provided. Collection method: clinical testing. Allele origin: germline. Not counted in ClinVar's aggregate classification.